The following is an entry in ClinVar:

ClinVar aggregate classification (germline): Uncertain significance (1 of 4 stars; one submission).

Submission:

Labcorp Genetics (formerly Invitae), Labcorp
Classification: Uncertain significance. Last evaluated: 2022-09-06. Review status: criteria provided, single submitter. Criteria: Invitae Variant Classification Sherloc (09022015). Collection method: clinical testing. Allele origin: germline.
Comment: Algorithms developed to predict the effect of missense changes on protein structure and function are either unavailable or do not agree on the potential impact of this missense change (SIFT: "Tolerated"; PolyPhen-2: "Possibly Damaging"; Align-GVGD: "Class C0"). This variant has not been reported in the literature in individuals affected with IL2RB-related conditions. This variant is not present in population databases (gnomAD no frequency). This sequence change replaces glutamic acid, which is acidic and polar, with lysine, which is basic and polar, at codon 507 of the IL2RB protein (p.Glu507Lys). In summary, the available evidence is currently insufficient to determine the role of this variant in disease. Therefore, it has been classified as a Variant of Uncertain Significance.

NM_000878.5(IL2RB):c.1519G>A (p.Glu507Lys)

Gene: IL2RB (interleukin 2 receptor subunit beta; minus strand). Cytogenetic location: 22q12.3.
Variant type: single nucleotide variant.
Coding change: c.1519G>A on transcript NM_000878.5 (MANE Select); coding-DNA position 1519, G replaced by A.
Protein change: p.Glu507Lys; replaces glutamic acid 507 with lysine.
Molecular consequence: missense variant.
Genome position (GRCh38, 1-based): chr22:37,128,233, C>T on the plus strand (G>A on the coding strand, the complement: IL2RB is on the minus strand). VCF-style: chr22-37128233-C-T. GRCh37 (hg19) VCF-style: chr22-37524273-C-T.
Other names: c.1519G>A, p.Glu507Lys (NM_001346222.1, NM_001346223.2); short protein forms E507K.
Identifiers: ClinVar variation 2087676 (VCV002087676.4), dbSNP rs2517832446, ClinGen allele CA411423704.